The following is an entry in ClinVar:

NM_001371272.1(RAB11FIP5):c.21G>T (p.Ala7=)

Gene: RAB11FIP5 (RAB11 family interacting protein 5; minus strand). Cytogenetic location: 2p13.2.
Variant type: single nucleotide variant.
Coding change: c.21G>T on transcript NM_001371272.1 (MANE Select); coding-DNA position 21, G replaced by T.
Protein change: p.Ala7=; no amino-acid change (alanine 7 retained).
Molecular consequence: synonymous variant.
Genome position (GRCh38, 1-based): chr2:73,112,757, C>A on the plus strand (G>T on the coding strand, the complement: RAB11FIP5 is on the minus strand). VCF-style: chr2-73112757-C-A. GRCh37 (hg19) VCF-style: chr2-73339885-C-A.
Other names: c.21G>T, p.Ala7= (NM_015470.3).
Identifiers: ClinVar variation 3355651 (VCV003355651.1).

ClinVar aggregate classification (germline): Likely benign (0 of 4 stars; one submission).

Conditions:
RAB11FIP5-related disorder. Also called: RAB11FIP5-related condition.

gnomAD v4.1: 1 of 1,468,828 alleles (0.000068%); highest among the groups gnomAD compares: Non-Finnish European, 0.00009%; no homozygotes.

Submission:

PreventionGenetics, part of Exact Sciences
Classification: Likely benign for RAB11FIP5-related condition. Last evaluated: 2019-09-25. Review status: no assertion criteria provided. Collection method: clinical testing. Allele origin: germline.
Comment: This variant is classified as likely benign based on ACMG/AMP sequence variant interpretation guidelines (Richards et al. 2015 PMID: 25741868, with internal and published modifications).